The following is an entry in ClinVar:

NM_015450.3(POT1):c.1851T>A (p.Asp617Glu)

Gene: POT1 (protection of telomeres 1; minus strand). Cytogenetic location: 7q31.33.
Variant type: single nucleotide variant.
Coding change: c.1851T>A on transcript NM_015450.3 (MANE Select); coding-DNA position 1851, T replaced by A.
Protein change: p.Asp617Glu; replaces aspartic acid 617 with glutamic acid.
Molecular consequence: missense variant. On other transcripts: non-coding transcript variant (3).
Genome position (GRCh38, 1-based): chr7:124,824,016, A>T on the plus strand (T>A on the coding strand, the complement: POT1 is on the minus strand). VCF-style: chr7-124824016-A-T. GRCh37 (hg19) VCF-style: chr7-124464070-A-T.
Other names: c.1458T>A, p.Asp486Glu (NM_001042594.2); short protein forms D486E, D617E.
Identifiers: ClinVar variation 643266 (VCV000643266.13), dbSNP rs142059197, ClinGen allele CA369061168.

ClinVar aggregate classification (germline): Conflicting classifications of pathogenicity. Review status: criteria provided, conflicting classifications (1 of 4 stars). 2 submissions from 2 submitters: Uncertain significance (1); Likely benign (1). Last evaluated 2022-08-16.

Conditions:
Tumor predisposition syndrome 3 (TPDS3). Also called: Melanoma, cutaneous malignant, susceptibility to, 10; Glioma susceptibility 9; LONG TELOMERE SYNDROME, POT1-RELATED; POT1 Tumor Predisposition. Identifiers: Orphanet 618, MedGen C4014476, MONDO:0014368, OMIM 615848.
Hereditary cancer-predisposing syndrome. Also called: Neoplastic Syndromes, Hereditary; Hereditary Cancer Syndrome; Tumor predisposition; Hereditary neoplastic syndrome. Identifiers: Orphanet 140162, MedGen C0027672, MeSH D009386, MONDO:0015356.

Allele frequency attached by ClinVar (database versions not stated): gnomAD exomes below 0.00001.
gnomAD v4.1: 1 of 1,609,376 alleles (0.000062%); highest among the groups gnomAD compares: Non-Finnish European, 0.000085%; no homozygotes.

Submissions (2):

Labcorp Genetics (formerly Invitae), Labcorp
Classification: Uncertain significance for Tumor predisposition syndrome 3. Last evaluated: 2022-08-16. Review status: criteria provided, single submitter. Criteria: Invitae Variant Classification Sherloc (09022015). Collection method: clinical testing. Allele origin: germline.
Comment: In summary, the available evidence is currently insufficient to determine the role of this variant in disease. Therefore, it has been classified as a Variant of Uncertain Significance. Algorithms developed to predict the effect of missense changes on protein structure and function output the following: SIFT: "Tolerated"; PolyPhen-2: "Benign"; Align-GVGD: "Class C0". The glutamic acid amino acid residue is found in multiple mammalian species, which suggests that this missense change does not adversely affect protein function. ClinVar contains an entry for this variant (Variation ID: 643266). This variant has not been reported in the literature in individuals affected with POT1-related conditions. This variant is not present in population databases (gnomAD no frequency). This sequence change replaces aspartic acid, which is acidic and polar, with glutamic acid, which is acidic and polar, at codon 617 of the POT1 protein (p.Asp617Glu).

Ambry Genetics
Classification: Likely benign for Hereditary cancer-predisposing syndrome. Last evaluated: 2022-07-08. Review status: criteria provided, single submitter. Criteria: Ambry Variant Classification Scheme 2023. Collection method: clinical testing. Allele origin: germline.